The following is an entry in ClinVar:

ClinVar aggregate classification (germline): Pathogenic (1 of 4 stars; one submission).

Submission:

GeneDx
Classification: Pathogenic. Last evaluated: 2016-07-08. Review status: criteria provided, single submitter. Criteria: GeneDx Variant Classification (06012015). Collection method: clinical testing. Allele origin: germline. Affected: yes.
Comment: The c.1117_1118delCA pathogenic variant in the EYA1 gene causes a frameshift starting with codon Histidine 373, changes this amino acid to a Phenylalanine residue and creates a premature Stop codon at position 4 of the new reading frame, denoted p.His373PhefsX4. This pathogenic variant is predicted to cause loss of normal protein function either through protein truncation or nonsense-mediated mRNA decay. The variant was not observed in approximately 6,500 individuals of European and African American ancestry in the NHLBI Exome Sequencing Project, indicating it is not a common benign variant in these populations.

NM_000503.6(EYA1):c.1117_1118del (p.His373fs)

Gene: EYA1 (EYA transcriptional coactivator and phosphatase 1; minus strand). Cytogenetic location: 8q13.3.
Variant type: Microsatellite.
Coding change: c.1117_1118del on transcript NM_000503.6 (MANE Select); coding-DNA positions 1117 to 1118, 2 bases deleted (CA; older notation c.1117_1118delCA).
Protein change: p.His373fs; shifts the reading frame from histidine 373.
Molecular consequence: frameshift variant. On other transcripts: intron variant (2).
Genome position (GRCh38, 1-based): chr8:71,244,625-71,244,626, TG deleted on the plus strand (CA on the coding strand, the reverse complement: EYA1 is on the minus strand); deleting any 2 consecutive bases within chr8:71,244,625-71,244,631 gives the same sequence; the c. name uses the placement nearest the transcript's 3' end. VCF-style (leftmost placement, unchanged base first): chr8-71244624-ATG-A. GRCh37 (hg19) VCF-style: chr8-72156859-ATG-A.
Other names: c.1099_1100del, p.His367fs (NM_001288574.2); c.751_752del, p.His251fs (NM_001288575.2); c.1204_1205del, p.His402fs (NM_001370333.1); c.1117_1118del, p.His373fs (NM_001370334.1, NM_001370335.1, NM_172058.4); c.1119+25110CA[2] (NM_001370336.1); c.1122+25110CA[2] (NM_172059.5); short protein forms H367fs, H251fs, H373fs, H402fs.
Identifiers: ClinVar variation 265621 (VCV000265621.2), dbSNP rs886039674, ClinGen allele CA10588462.